The following is an entry in ClinVar:

NM_001042492.3(NF1):c.2839dup (p.Ser947fs)

Gene: NF1 (neurofibromin 1; plus strand). Cytogenetic location: 17q11.2.
Variant type: Duplication.
Coding change: c.2839dup on transcript NM_001042492.3 (MANE Select); coding-DNA position 2839, one base duplicated (T; older notation c.2839dupT).
Protein change: p.Ser947fs; shifts the reading frame from serine 947.
Molecular consequence: frameshift variant.
Genome position (GRCh38, 1-based): chr17:31,229,454, T duplicated. VCF-style (leftmost placement, unchanged base first): chr17-31229453-C-CT. GRCh37 (hg19) VCF-style: chr17-29556471-C-CT.
Other names: c.2839dup, p.Ser947Phefs (NM_000267.4); short protein forms S947fs.
Identifiers: ClinVar variation 2060259 (VCV002060259.4), dbSNP rs2508189597, ClinGen allele CA2580093392.

ClinVar aggregate classification (germline): Pathogenic (1 of 4 stars; one submission).

Conditions:
Neurofibromatosis, type 1 (NF1). Also called: NEUROFIBROMATOSIS, TYPE I, SOMATIC; VON RECKLINGHAUSEN DISEASE; Peripheral type neurofibromatosis; Neurofibromatosis, type I. Identifiers: Orphanet 636, MedGen C0027831, MONDO:0018975, OMIM 162200. Disease mechanism: loss of function.

Submission:

Labcorp Genetics (formerly Invitae), Labcorp
Classification: Pathogenic for Neurofibromatosis, type 1. Last evaluated: 2021-12-25. Review status: criteria provided, single submitter. Criteria: Invitae Variant Classification Sherloc (09022015). Collection method: clinical testing. Allele origin: germline.
Comment: For these reasons, this variant has been classified as Pathogenic. This variant has not been reported in the literature in individuals affected with NF1-related conditions. This variant is not present in population databases (gnomAD no frequency). This sequence change creates a premature translational stop signal (p.Ser947Phefs*9) in the NF1 gene. It is expected to result in an absent or disrupted protein product. Loss-of-function variants in NF1 are known to be pathogenic (PMID: 10712197, 23913538).

Literature cited by the submitters: PubMed 10712197; PubMed 23913538.